The following is an entry in ClinVar:

ClinVar aggregate classification (germline): Uncertain significance (1 of 4 stars; one submission).

Conditions:
Mucopolysaccharidosis type 7 (MPS7). Also called: SLY SYNDROME; BETA-GLUCURONIDASE DEFICIENCY; GUSB DEFICIENCY; MPS VII. Identifiers: Orphanet 584, MedGen C0085132, MONDO:0009662, OMIM 253220.

Allele frequency attached by ClinVar (database versions not stated): gnomAD exomes 0.00001; ExAC 0.00002.
gnomAD v4.1: 3 of 1,613,562 alleles (0.00019%); highest among the groups gnomAD compares: South Asian, 0.0033%; no homozygotes.

Submission:

Labcorp Genetics (formerly Invitae), Labcorp
Classification: Uncertain significance for Mucopolysaccharidosis type 7. Last evaluated: 2021-09-01. Review status: criteria provided, single submitter. Criteria: Invitae Variant Classification Sherloc (09022015). Collection method: clinical testing. Allele origin: germline.
Comment: This sequence change replaces phenylalanine with leucine at codon 319 of the GUSB protein (p.Phe319Leu). The phenylalanine residue is weakly conserved and there is a small physicochemical difference between phenylalanine and leucine. This variant is present in population databases (rs757549474, ExAC 0.009%). This variant has not been reported in the literature in individuals affected with GUSB-related conditions. Algorithms developed to predict the effect of missense changes on protein structure and function (SIFT, PolyPhen-2, Align-GVGD) all suggest that this variant is likely to be tolerated. In summary, the available evidence is currently insufficient to determine the role of this variant in disease. Therefore, it has been classified as a Variant of Uncertain Significance.

NM_000181.4(GUSB):c.955T>C (p.Phe319Leu)

Gene: GUSB (glucuronidase beta; minus strand). Cytogenetic location: 7q11.21.
Variant type: single nucleotide variant.
Coding change: c.955T>C on transcript NM_000181.4 (MANE Select); coding-DNA position 955, T replaced by C.
Protein change: p.Phe319Leu; replaces phenylalanine 319 with leucine.
Molecular consequence: missense variant. On other transcripts: non-coding transcript variant (1).
Genome position (GRCh38, 1-based): chr7:65,975,029, A>G on the plus strand (T>C on the coding strand, the complement: GUSB is on the minus strand). VCF-style: chr7-65975029-A-G. GRCh37 (hg19) VCF-style: chr7-65440016-A-G.
Other names: c.517T>C, p.Phe173Leu (NM_001284290.2); c.385T>C, p.Phe129Leu (NM_001293104.2); c.298T>C, p.Phe100Leu (NM_001293105.2); short protein forms F100L, F173L, F319L, F129L.
Identifiers: ClinVar variation 1382296 (VCV001382296.5), dbSNP rs757549474, ClinGen allele CA4276432.